The following is an entry in ClinVar:

ClinVar aggregate classification (germline): Likely benign (0 of 4 stars; one submission).

Conditions:
FOLR3-related disorder. Also called: FOLR3-related condition.

Allele frequency attached by ClinVar (database versions not stated): ExAC 0.00010; TOPMed 0.00011; gnomAD 0.00013; ESP Exome Variant Server 0.00015; gnomAD exomes 0.00019.
gnomAD v4.1: 294 of 1,614,050 alleles (0.018%); highest among the groups gnomAD compares: Non-Finnish European, 0.023%; no homozygotes.

Submission:

PreventionGenetics, part of Exact Sciences
Classification: Likely benign for FOLR3-related condition. Last evaluated: 2019-12-02. Review status: no assertion criteria provided. Collection method: clinical testing. Allele origin: germline.
Comment: This variant is classified as likely benign based on ACMG/AMP sequence variant interpretation guidelines (Richards et al. 2015 PMID: 25741868, with internal and published modifications).

NM_000804.4(FOLR3):c.243G>A (p.Leu81=)

Gene: FOLR3 (folate receptor gamma; plus strand). Cytogenetic location: 11q13.4.
Variant type: single nucleotide variant.
Coding change: c.243G>A on transcript NM_000804.4 (MANE Select); coding-DNA position 243, G replaced by A.
Protein change: p.Leu81=; no amino-acid change (leucine 81 retained).
Molecular consequence: synonymous variant. On other transcripts: missense variant (1), non-coding transcript variant (1).
Genome position (GRCh38, 1-based): chr11:72,139,035, G>A. VCF-style: chr11-72139035-G-A. GRCh37 (hg19) VCF-style: chr11-71850081-G-A.
Other names: c.-31G>A (NM_001318045.2); c.371G>A, p.Cys124Tyr (NM_001412270.1); short protein forms C124Y.
Identifiers: ClinVar variation 3048659 (VCV003048659.2), dbSNP rs369668502, ClinGen allele CA6168898.